The following is an entry in ClinVar:

ClinVar aggregate classification (germline): Uncertain significance (0 of 4 stars; one submission).

Conditions:
Developmental and epileptic encephalopathy, 7 (DEE7). Also called: Early infantile epileptic encephalopathy 7; KCNQ2-Related Neonatal Epileptic Encephalopathy; KCNQ2-Related Neonatal-Onset Developmental and Epileptic Encephalopathy (NEO-DEE). Identifiers: Orphanet 439218, MedGen C3150986, MONDO:0013387, OMIM 613720.

Submission:

Hong-Tao Li Lab, Institute of Brain Science and Brain-inspired Research, Shandong First Medical University & Shandong Academy of Medical Sciences China
Classification: Uncertain significance for Developmental and epileptic encephalopathy, 7. Review status: no assertion criteria provided. Collection method: research. Allele origin: germline. Inheritance: Autosomal dominant inheritance. Affected: yes. Observed: 1 variant allele, 1 heterozygote.
Comment: Observed in affected individuals from a Pakistani neurodevelopmental-disorder research cohort of 263 individuals. Classification assigned using the ACMG/AMP framework.

NM_172107.4(KCNQ2):c.2455A>G (p.Ser819Gly)

Gene: KCNQ2 (potassium voltage-gated channel subfamily Q member 2; minus strand). Cytogenetic location: 20q13.33.
Variant type: single nucleotide variant.
Coding change: c.2455A>G on transcript NM_172107.4 (MANE Select); coding-DNA position 2455, A replaced by G.
Protein change: p.Ser819Gly; replaces serine 819 with glycine.
Molecular consequence: missense variant.
Genome position (GRCh38, 1-based): chr20:63,406,808, T>C on the plus strand (A>G on the coding strand, the complement: KCNQ2 is on the minus strand). VCF-style: chr20-63406808-T-C. GRCh37 (hg19) VCF-style: chr20-62038161-T-C.
Other names: c.2509A>G, p.Ser837Gly (NM_001382235.1); c.2398A>G, p.Ser800Gly (NM_001439003.1); c.2368A>G, p.Ser790Gly (NM_001439004.1); c.2371A>G, p.Ser791Gly (NM_004518.6); c.2401A>G, p.Ser801Gly (NM_172106.3); c.2362A>G, p.Ser788Gly (NM_172108.5); short protein forms S788G, S790G, S791G, S800G, S801G, S819G, S837G.
Identifiers: ClinVar variation 4884799 (VCV004884799.1).